The following is an entry in ClinVar:

ClinVar aggregate classification (germline): Uncertain significance (1 of 4 stars; one submission).

Conditions:
Glycogen storage disease type III (GSD3). Also called: Cori disease; FORBES DISEASE. Identifiers: Orphanet 366, MedGen C0017922, MONDO:0009291, OMIM 232400.

Allele frequency attached by ClinVar (database versions not stated): ESP Exome Variant Server 0.00008.
gnomAD v4.1: 2 of 1,614,030 alleles (0.00012%); highest among the groups gnomAD compares: Middle Eastern, 0.017%; no homozygotes.

Submission:

Labcorp Genetics (formerly Invitae), Labcorp
Classification: Uncertain significance for Glycogen storage disease type III. Last evaluated: 2022-02-13. Review status: criteria provided, single submitter. Criteria: Invitae Variant Classification Sherloc (09022015). Collection method: clinical testing. Allele origin: germline.
Comment: This sequence change replaces proline, which is neutral and non-polar, with serine, which is neutral and polar, at codon 246 of the AGL protein (p.Pro246Ser). This variant is not present in population databases (gnomAD no frequency). This variant has not been reported in the literature in individuals affected with AGL-related conditions. Algorithms developed to predict the effect of missense changes on protein structure and function are either unavailable or do not agree on the potential impact of this missense change (SIFT: "Tolerated"; PolyPhen-2: "Probably Damaging"; Align-GVGD: "Class C0"). In summary, the available evidence is currently insufficient to determine the role of this variant in disease. Therefore, it has been classified as a Variant of Uncertain Significance.

NM_000642.3(AGL):c.736C>T (p.Pro246Ser)

Gene: AGL (amylo-alpha-1,6-glucosidase and 4-alpha-glucanotransferase; plus strand). Cytogenetic location: 1p21.2.
Variant type: single nucleotide variant.
Coding change: c.736C>T on transcript NM_000642.3 (MANE Select); coding-DNA position 736, C replaced by T.
Protein change: p.Pro246Ser; replaces proline 246 with serine.
Molecular consequence: missense variant.
Genome position (GRCh38, 1-based): chr1:99,870,471, C>T. VCF-style: chr1-99870471-C-T. GRCh37 (hg19) VCF-style: chr1-100336027-C-T.
Other names: c.736C>T, p.Pro246Ser (NM_000028.3, NM_000643.3, NM_000644.3 and 3 more transcripts); c.688C>T, p.Pro230Ser (NM_000646.3); c.532C>T, p.Pro178Ser (NM_001425328.1, NM_001425329.1); c.358C>T, p.Pro120Ser (NM_001425332.1); short protein forms P246S, P230S, P120S, P178S.
Identifiers: ClinVar variation 1503124 (VCV001503124.5), dbSNP rs370391954, ClinGen allele CA27568678.